The following is an entry in ClinVar:

NM_001385079.1(PDE10A):c.3128C>A (p.Ser1043Tyr)

Gene: PDE10A (phosphodiesterase 10A; minus strand). Cytogenetic location: 6q27.
Variant type: single nucleotide variant.
Coding change: c.3128C>A on transcript NM_001385079.1 (MANE Select); coding-DNA position 3128, C replaced by A.
Protein change: p.Ser1043Tyr; replaces serine 1043 with tyrosine.
Molecular consequence: missense variant.
Genome position (GRCh38, 1-based): chr6:165,333,065, G>T on the plus strand (C>A on the coding strand, the complement: PDE10A is on the minus strand). VCF-style: chr6-165333065-G-T. GRCh37 (hg19) VCF-style: chr6-165746554-G-T.
Other names: c.2330C>A, p.Ser777Tyr (NM_001130690.3); c.2300C>A, p.Ser767Tyr (NM_006661.4); short protein forms S1043Y, S767Y, S777Y.
Identifiers: ClinVar variation 1213809 (VCV001213809.1), dbSNP rs1781435066, ClinGen allele CA366386846.

ClinVar aggregate classification (germline): Uncertain significance (1 of 4 stars; one submission).

Conditions:
Infantile-onset generalized dyskinesia with orofacial involvement. Also called: Dyskinesia, limb and orofacial, infantile-onset. Identifiers: Orphanet 494526, MedGen C5567464, MONDO:0044637, OMIM 616921.

Submission:

New York Genome Center
Classification: Uncertain significance for Infantile-onset generalized dyskinesia with orofacial involvement. Last evaluated: 2020-10-30. Review status: criteria provided, single submitter. Criteria: NYGC Assertion Criteria 2020. Collection method: clinical testing. Allele origin: germline. Observed: 1 heterozygote. Study: CSER-NYCKidSeq.
Comment: The c.2300C>A; (p.Ser767Tyr) missense variant in exon 23 of 23 of PDE10A has not been reported in affected individuals in the available literature. This variant is absent in gnomADv3 indicating it is not a common benign variant in the populations represented in this database. In silico predictors suggest this variant is Benign (REVEL; score: 0.082) and Damaging (SIFT; score: 0.015). Given the evidence regarding its pathogenicity, the c.2300C>A; (p.Ser767Tyr) variant identified in the PDE10A gene is reported as a Variant of Uncertain Significance.